The following is an entry in ClinVar:

ClinVar aggregate classification (germline): Conflicting classifications of pathogenicity. Review status: criteria provided, conflicting classifications (1 of 4 stars). 3 submissions from 3 submitters: Uncertain significance (1); Benign (1). 1 of the submissions does not count toward it. Last evaluated 2024-12-02.

Conditions:
Kabuki syndrome 1 (KABUK1). Also called: KMT2D-Related Kabuki Syndrome. Identifiers: Orphanet 2322, MedGen CN030661, MONDO:0007843, OMIM 147920.
Choanal atresia-athelia-hypothyroidism-delayed puberty-short stature syndrome (BCAHH). Also called: BRANCHIAL ARCH ABNORMALITIES, CHOANAL ATRESIA, ATHELIA, HEARING LOSS, AND HYPOTHYROIDISM SYNDROME. Identifiers: Orphanet 589856, MedGen C5680310, MONDO:0035651, OMIM 620186.
KMT2D-related disorder. Also called: KMT2D-Related Disorders.
Kabuki syndrome. Also called: Kabuki make-up syndrome; NIIKAWA-KUROKI SYNDROME. Identifiers: Orphanet 2322, MedGen C0796004, MONDO:0016512.

Allele frequency attached by ClinVar (database versions not stated): ExAC 0.00002.
gnomAD v4.1: 10 of 1,613,928 alleles (0.00062%); highest among the groups gnomAD compares: Admixed American, 0.012%; no homozygotes.

Submissions (3):

Labcorp Genetics (formerly Invitae), Labcorp
Classification: Benign for Kabuki syndrome. Last evaluated: 2024-12-02. Review status: criteria provided, single submitter. Criteria: Invitae Variant Classification Sherloc (09022015). Collection method: clinical testing. Allele origin: germline.

Fulgent Genetics
Classification: Uncertain significance for Kabuki syndrome 1; Choanal atresia-athelia-hypothyroidism-delayed puberty-short stature syndrome. Last evaluated: 2024-05-08. Review status: criteria provided, single submitter. Criteria: ACMG Guidelines, 2015. Collection method: clinical testing. Allele origin: germline.

PreventionGenetics, part of Exact Sciences
Classification: Uncertain significance for KMT2D-related condition. Last evaluated: 2024-05-29. Review status: no assertion criteria provided. Collection method: clinical testing. Allele origin: germline. Not counted in ClinVar's aggregate classification.
Comment: The KMT2D c.3699G>T variant is predicted to result in the amino acid substitution p.Glu1233Asp. To our knowledge, this variant has not been reported in the literature. This variant is reported in 0.020% of alleles in individuals of Latino descent in gnomAD. Although we suspect that this variant may be benign, at this time, the clinical significance of this variant is uncertain due to the absence of conclusive functional and genetic evidence.

NM_003482.4(KMT2D):c.3699G>T (p.Glu1233Asp)

Genes: KMT2D (lysine methyltransferase 2D; minus strand), LOC126861520 (CDK7 strongly-dependent group 2 enhancer GRCh37_chr12:49442744-49443943; plus strand). Cytogenetic location: 12q13.12.
Variant type: single nucleotide variant.
Coding change: c.3699G>T on transcript NM_003482.4 (MANE Select); coding-DNA position 3699, G replaced by T.
Protein change: p.Glu1233Asp; replaces glutamic acid 1233 with aspartic acid.
Molecular consequence: missense variant.
Genome position (GRCh38, 1-based): chr12:49,049,889, C>A on the plus strand (G>T on the coding strand, the complement: KMT2D is on the minus strand). VCF-style: chr12-49049889-C-A. GRCh37 (hg19) VCF-style: chr12-49443672-C-A.
Other names: c.3699G>T (NM_003482.3); short protein forms E1233D.
Identifiers: ClinVar variation 1489549 (VCV001489549.8), dbSNP rs759510649, ClinGen allele CA6548010.